The following is an entry in ClinVar:

NC_000003.12:g.169764855C>T

Genes: TERC (telomerase RNA component; minus strand), LOC110806306 (telomerase RNA component (TERC) promoter; plus strand). Cytogenetic location: 3q26.2.
Variant type: single nucleotide variant.
Genome position: GRCh38 VCF-style: chr3-169764855-C-T. GRCh37 (hg19) VCF-style: chr3-169482643-C-T.
Identifiers: ClinVar variation 1011086 (VCV001011086.7), dbSNP rs1445101144, ClinGen allele CA436715414.

ClinVar aggregate classification (germline): Uncertain significance (1 of 4 stars; one submission).

Conditions:
Dyskeratosis congenita, autosomal dominant 1 (DKCA1). Also called: Dyskeratosis congenita Scoggins type. Identifiers: Orphanet 1775, MedGen C4551974, MONDO:0007485, OMIM 127550. Inheritance: Variable.

Allele frequency attached by ClinVar (database versions not stated): gnomAD exomes 0.00001.
gnomAD v4.1: 4 of 751,162 alleles (0.00053%); highest among the groups gnomAD compares: East Asian, 0.0049%; no homozygotes.

Submission:

Labcorp Genetics (formerly Invitae), Labcorp
Classification: Uncertain significance for Dyskeratosis congenita, autosomal dominant 1. Last evaluated: 2023-07-25. Review status: criteria provided, single submitter. Criteria: Invitae Variant Classification Sherloc (09022015). Collection method: clinical testing. Allele origin: germline.
Comment: This variant has not been reported in the literature in individuals affected with TERC-related conditions. In summary, the available evidence is currently insufficient to determine the role of this variant in disease. Therefore, it has been classified as a Variant of Uncertain Significance. This variant is located within the hypervariable region that is not conserved in the TERC RNA component (PMID: 10721988, 21844345). The functional significance of this region is not well understood. Algorithms developed to predict the effect of sequence changes on RNA splicing suggest that this variant may create or strengthen a splice site. ClinVar contains an entry for this variant (Variation ID: 1011086). This variant is not present in population databases (gnomAD no frequency). This variant occurs in the TERC gene, which encodes an RNA molecule that does not result in a protein product.

Literature cited by the submitters: PubMed 10721988; PubMed 21844345.